The following is an entry in ClinVar:

ClinVar aggregate classification (germline): Uncertain significance (1 of 4 stars; one submission).

Allele frequency attached by ClinVar (database versions not stated): gnomAD exomes below 0.00001; TOPMed below 0.00001.
gnomAD v4.1: 1 of 1,613,984 alleles (0.000062%); highest among the groups gnomAD compares: Non-Finnish European, 0.000085%; no homozygotes.

Submission:

Labcorp Genetics (formerly Invitae), Labcorp
Classification: Uncertain significance. Last evaluated: 2022-11-01. Review status: criteria provided, single submitter. Criteria: Invitae Variant Classification Sherloc (09022015). Collection method: clinical testing. Allele origin: germline.
Comment: This variant is not present in population databases (gnomAD no frequency). This sequence change replaces threonine, which is neutral and polar, with alanine, which is neutral and non-polar, at codon 932 of the KIAA1549 protein (p.Thr932Ala). This variant has not been reported in the literature in individuals affected with KIAA1549-related conditions. In summary, the available evidence is currently insufficient to determine the role of this variant in disease. Therefore, it has been classified as a Variant of Uncertain Significance. Algorithms developed to predict the effect of missense changes on protein structure and function output the following: SIFT: "Deleterious"; PolyPhen-2: "Benign"; Align-GVGD: "Class C0". The alanine amino acid residue is found in multiple mammalian species, which suggests that this missense change does not adversely affect protein function. ClinVar contains an entry for this variant (Variation ID: 1042117).

NM_001164665.2(KIAA1549):c.2794A>G (p.Thr932Ala)

Gene: KIAA1549 (KIAA1549; minus strand). Cytogenetic location: 7q34.
Variant type: single nucleotide variant.
Coding change: c.2794A>G on transcript NM_001164665.2 (MANE Select); coding-DNA position 2794, A replaced by G.
Protein change: p.Thr932Ala; replaces threonine 932 with alanine.
Molecular consequence: missense variant.
Genome position (GRCh38, 1-based): chr7:138,916,832, T>C on the plus strand (A>G on the coding strand, the complement: KIAA1549 is on the minus strand). VCF-style: chr7-138916832-T-C. GRCh37 (hg19) VCF-style: chr7-138601578-T-C.
Other names: c.2794A>G, p.Thr932Ala (NM_020910.3); short protein forms T932A.
Identifiers: ClinVar variation 1042117 (VCV001042117.10), dbSNP rs1812334716, ClinGen allele CA369391973.